The following is an entry in ClinVar:

ClinVar aggregate classification (germline): Benign/Likely benign. Review status: criteria provided, multiple submitters, no conflicts (2 of 4 stars). 21 submissions from 14 submitters: Benign (16); Likely benign (5). Last evaluated 2026-02-03.

Conditions:
Cardiovascular phenotype. Identifiers: MedGen CN230736.
Dilated cardiomyopathy 1G (CMD1G). Identifiers: Orphanet 154, MedGen C1858763, MONDO:0011400, OMIM 604145.
Autosomal recessive limb-girdle muscular dystrophy type 2J (LGMDR10). Also called: MUSCULAR DYSTROPHY, LIMB-GIRDLE, AUTOSOMAL RECESSIVE 10; Limb-girdle muscular dystrophy, type 2J. Identifiers: Orphanet 140922, MedGen C1837342, MONDO:0012127, OMIM 608807.
Cardiomyopathy (CMYO). Also called: Cardiomyopathies. Identifiers: Orphanet 167848, MedGen C0878544, MONDO:0004994, HP:0001638. Inheritance: Various modes of inheritance.
Early-onset myopathy with fatal cardiomyopathy (CMYO5). Also called: CONGENITAL MYOPATHY 5 WITH CARDIOMYOPATHY; Salih Myopathy. Identifiers: Orphanet 289377, MedGen C2673677, MONDO:0012714, OMIM 611705. Disease mechanism: loss of function.
Tibial muscular dystrophy (TMD). Also called: Udd Distal Myopathy – Tibial Muscular Dystrophy; Tibial muscular dystrophy, tardive; UDD MYOPATHY. Identifiers: Orphanet 609, MedGen C1838244, MONDO:0010870, OMIM 600334.
Myopathy, myofibrillar, 9, with early respiratory failure (MFM9). Also called: Myopathy, distal, with early respiratory failure, autosomal dominant; Hereditary myopathy with early respiratory failure; MYOPATHY, PROXIMAL, WITH EARLY RESPIRATORY MUSCLE INVOLVEMENT; EDSTROM MYOPATHY. Identifiers: Orphanet 178464, Orphanet 34521, MedGen C1863599, MONDO:0011362, OMIM 603689.

Allele frequency attached by ClinVar (database versions not stated): gnomAD exomes 0.00187 and 0.00077; gnomAD 0.00766 and 0.00826; 1000 Genomes Project 30x 0.00999; 1000 Genomes Project 0.00899; ESP Exome Variant Server 0.00966; ExAC 0.00234; TOPMed 0.00825.
gnomAD v4.1: 2,335 of 1,613,412 alleles (0.14%); highest among the groups gnomAD compares: African/African-American, 2.6%; 25 homozygotes.

Submissions (21):

Labcorp Genetics (formerly Invitae), Labcorp
Classification: Benign for Dilated cardiomyopathy 1G; Autosomal recessive limb-girdle muscular dystrophy type 2J. Last evaluated: 2026-02-03. Review status: criteria provided, single submitter. Criteria: Invitae Variant Classification Sherloc (09022015). Collection method: clinical testing. Allele origin: germline.

ARUP Laboratories, Molecular Genetics and Genomics, ARUP Laboratories
Classification: Benign. Last evaluated: 2025-05-14. Review status: criteria provided, single submitter. Criteria: ARUP Molecular Germline Variant Investigation Process 2024. Collection method: clinical testing. Allele origin: germline.

Molecular Diagnostic Laboratory for Inherited Cardiovascular Disease, Montreal Heart Institute
Classification: Benign. Last evaluated: 2025-04-09. Review status: criteria provided, single submitter. Criteria: ACMG Guidelines, 2015. Collection method: clinical testing. Allele origin: germline. Affected: no.

Blueprint Genetics
Classification: Likely benign. Last evaluated: 2024-11-14. Review status: criteria provided, single submitter. Criteria: ACMG Guidelines, 2015. Collection method: clinical testing. Allele origin: germline.

Athena Diagnostics
Classification: Benign. Last evaluated: 2024-10-17. Review status: criteria provided, single submitter. Criteria: Athena Diagnostics Criteria. Collection method: clinical testing. Allele origin: unknown.

Mayo Clinic Laboratories, Mayo Clinic
Classification: Benign. Last evaluated: 2023-01-13. Review status: criteria provided, single submitter. Criteria: ACMG Guidelines, 2015. Collection method: clinical testing. Allele origin: germline. Observed: 25 variant alleles.
Comment: BS1, BS2, BP4, BP7

Genome-Nilou Lab
Classification: Benign for Autosomal recessive limb-girdle muscular dystrophy type 2J. Last evaluated: 2021-09-10. Review status: criteria provided, single submitter. Criteria: ACMG Guidelines, 2015. Collection method: clinical testing. Allele origin: germline. Affected: no.

Genome-Nilou Lab
Classification: Benign for Myopathy, myofibrillar, 9, with early respiratory failure. Last evaluated: 2021-09-10. Review status: criteria provided, single submitter. Criteria: ACMG Guidelines, 2015. Collection method: clinical testing. Allele origin: germline. Affected: no.

Genome-Nilou Lab
Classification: Benign for Early-onset myopathy with fatal cardiomyopathy. Last evaluated: 2021-09-10. Review status: criteria provided, single submitter. Criteria: ACMG Guidelines, 2015. Collection method: clinical testing. Allele origin: germline. Affected: no.

Genome-Nilou Lab
Classification: Benign for Tibial muscular dystrophy. Last evaluated: 2021-09-10. Review status: criteria provided, single submitter. Criteria: ACMG Guidelines, 2015. Collection method: clinical testing. Allele origin: germline. Affected: no.

Women's Health and Genetics/Laboratory Corporation of America, LabCorp
Classification: Benign. Last evaluated: 2021-02-08. Review status: criteria provided, single submitter. Criteria: LabCorp Variant Classification Summary - May 2015. Collection method: clinical testing. Allele origin: germline.

Illumina Laboratory Services, Illumina
Classification: Benign for Myopathy, myofibrillar, 9, with early respiratory failure. Last evaluated: 2018-01-13. Review status: criteria provided, single submitter. Criteria: ICSL Variant Classification Criteria 13 December 2019. Collection method: clinical testing. Allele origin: germline.
Comment: This variant was observed in the ICSL laboratory as part of a predisposition screen in an ostensibly healthy population. It had not been previously curated by ICSL or reported in the Human Gene Mutation Database (HGMD: prior to June 1st, 2018), and was therefore a candidate for classification through an automated scoring system. Utilizing variant allele frequency, disease prevalence and penetrance estimates, and inheritance mode, an automated score was calculated to assess if this variant is too frequent to cause the disease. Based on the score and internal cut-off values, a variant classified as benign is not then subjected to further curation. The score for this variant resulted in a classification of benign for this disease.

Illumina Laboratory Services, Illumina
Classification: Benign for Tibial muscular dystrophy. Last evaluated: 2018-01-13. Review status: criteria provided, single submitter. Criteria: ICSL Variant Classification Criteria 13 December 2019. Collection method: clinical testing. Allele origin: germline.
Comment: the same text as in the submission from Illumina Laboratory Services, Illumina above.

Illumina Laboratory Services, Illumina
Classification: Likely benign for Autosomal recessive limb-girdle muscular dystrophy type 2J. Last evaluated: 2018-01-13. Review status: criteria provided, single submitter. Criteria: ICSL Variant Classification Criteria 13 December 2019. Collection method: clinical testing. Allele origin: germline.
Comment: This variant was observed in the ICSL laboratory as part of a predisposition screen in an ostensibly healthy population. It had not been previously curated by ICSL or reported in the Human Gene Mutation Database (HGMD: prior to June 1st, 2018), and was therefore a candidate for classification through an automated scoring system. Utilizing variant allele frequency, disease prevalence and penetrance estimates, and inheritance mode, an automated score was calculated to assess if this variant is too frequent to cause the disease. Based on the score and internal cut-off values, a variant classified as likely benign is not then subjected to further curation. The score for this variant resulted in a classification of likely benign for this disease.

Illumina Laboratory Services, Illumina
Classification: Likely benign for Early-onset myopathy with fatal cardiomyopathy. Last evaluated: 2018-01-13. Review status: criteria provided, single submitter. Criteria: ICSL Variant Classification Criteria 13 December 2019. Collection method: clinical testing. Allele origin: germline.
Comment: the same text as in the submission from Illumina Laboratory Services, Illumina above.

Illumina Laboratory Services, Illumina
Classification: Likely benign for Dilated cardiomyopathy 1G. Last evaluated: 2018-01-13. Review status: criteria provided, single submitter. Criteria: ICSL Variant Classification Criteria 13 December 2019. Collection method: clinical testing. Allele origin: germline.
Comment: the same text as in the submission from Illumina Laboratory Services, Illumina above.

CHEO Genetics Diagnostic Laboratory, Children's Hospital of Eastern Ontario
Classification: Benign for Cardiomyopathy. Last evaluated: 2015-11-03. Review status: criteria provided, single submitter. Criteria: ACMG Guidelines, 2015. Collection method: clinical testing. Allele origin: germline. Study: Canadian Open Genetics Repository.

GeneDx
Classification: Benign. Last evaluated: 2014-06-19. Review status: criteria provided, single submitter. Criteria: GeneDx Variant Classification (06012015). Collection method: clinical testing. Allele origin: germline. Affected: yes.
Comment: This variant is considered likely benign or benign based on one or more of the following criteria: it is a conservative change, it occurs at a poorly conserved position in the protein, it is predicted to be benign by multiple in silico algorithms, and/or has population frequency not consistent with disease.

Ambry Genetics
Classification: Benign for Cardiovascular phenotype. Last evaluated: 2013-01-22. Review status: criteria provided, single submitter. Criteria: Ambry Autosomal Dominant and X-Linked criteria (10/2015). Collection method: clinical testing. Allele origin: germline. Observed: 1 variant allele.

Laboratory for Molecular Medicine, Mass General Brigham Personalized Medicine
Classification: Benign. Last evaluated: 2012-04-24. Review status: criteria provided, single submitter. Criteria: LMM Criteria. Collection method: clinical testing. Allele origin: germline. Observed: 17 variant alleles.
Comment: Val23995Val in Exon 275 of TTN: This variant is not expected to have clinical si gnificance because it does not alter an amino acid residue and is not located wi thin the splice consensus sequence. It has been identified in 2.9%(93/3168) of A frican American chromosomes from a broad population by the NHLBI Exome Sequencin g Project (rs10185798).

Breakthrough Genomics
Classification: Likely benign. Review status: criteria provided, single submitter. Criteria: ACMG Guidelines, 2015. Collection method: not provided. Allele origin: germline. Inheritance: Autosomal recessive inheritance. Affected: yes.

NM_001267550.2(TTN):c.79689C>A (p.Val26563=)

Genes: TTN (titin; minus strand), TTN-AS1 (TTN antisense RNA 1; plus strand). Cytogenetic location: 2q31.2.
Variant type: single nucleotide variant.
Coding change: c.79689C>A on transcript NM_001267550.2 (MANE Select); coding-DNA position 79689, C replaced by A.
Protein change: p.Val26563=; no amino-acid change (valine 26563 retained).
Molecular consequence: synonymous variant.
Genome position (GRCh38, 1-based): chr2:178,566,443, G>T on the plus strand (C>A on the coding strand, the complement: TTN is on the minus strand). VCF-style: chr2-178566443-G-T. GRCh37 (hg19) VCF-style: chr2-179431170-G-T.
Other names: p.V23995V:GTC>GTA; p.Val23995=; c.74766C>A, p.Val24922= (NM_001256850.1); c.52494C>A, p.Val17498= (NM_003319.4); c.71985C>A, p.Val23995= (NM_133378.4); c.52869C>A, p.Val17623= (NM_133432.3); c.53070C>A, p.Val17690= (NM_133437.4).
Identifiers: ClinVar variation 47379 (VCV000047379.75), dbSNP rs10185798, ClinGen allele CA283840.
Genomic context (GRCh38, chr2:178,566,443, plus strand): 5'-TGGTTTCACAGTACCAGGAACTGATGTAGCCTCACCTAAACCAACTTTGTTGAGGGCACA[G>T]ACTCGTATTTTATACTCTTGGTGTTCAGTGAGTTTTGAAATTTCAAATCGAGTGACTCTC-3'
Protein context (NP_001254479.2, residues 26553-26573): LTEHQEYKIR[Val26563=]CALNKVGLGE